The following is an entry in ClinVar:

NM_001844.5(COL2A1):c.309+5G>T

Gene: COL2A1 (collagen type II alpha 1 chain; minus strand). Cytogenetic location: 12q13.11.
Variant type: single nucleotide variant.
Coding change: c.309+5G>T on transcript NM_001844.5 (MANE Select); 5 bases into the intron after coding-DNA position 309, G replaced by T.
Molecular consequence: intron variant.
Genome position (GRCh38, 1-based): chr12:47,998,410, C>A on the plus strand (G>T on the coding strand, the complement: COL2A1 is on the minus strand). VCF-style: chr12-47998410-C-A. GRCh37 (hg19) VCF-style: chr12-48392193-C-A.
Other names: c.102+5G>T (NM_033150.3).
Identifiers: ClinVar variation 4765377 (VCV004765377.1).

ClinVar aggregate classification (germline): Uncertain significance (1 of 4 stars; one submission).

gnomAD v4.1: 4 of 1,606,066 alleles (0.00025%); highest among the groups gnomAD compares: Non-Finnish European, 0.00026%; 1 homozygote.

Submission:

Labcorp Genetics (formerly Invitae), Labcorp
Classification: Uncertain significance. Last evaluated: 2025-12-01. Review status: criteria provided, single submitter. Criteria: Invitae Variant Classification Sherloc (09022015). Collection method: clinical testing. Allele origin: germline.
Comment: This sequence change falls in intron 3 of the COL2A1 gene. It does not directly change the encoded amino acid sequence of the COL2A1 protein. It affects a nucleotide within the consensus splice site. This variant is not present in population databases (gnomAD no frequency). This variant has not been reported in the literature in individuals affected with COL2A1-related conditions. Variants that disrupt the consensus splice site are a relatively common cause of aberrant splicing (PMID: 17576681, 9536098). Algorithms developed to predict the effect of sequence changes on RNA splicing suggest that this variant is not likely to affect RNA splicing. In summary, the available evidence is currently insufficient to determine the role of this variant in disease. Therefore, it has been classified as a Variant of Uncertain Significance.

Literature cited by the submitters: PubMed 17576681; PubMed 9536098.